The following is an entry in ClinVar:

ClinVar aggregate classification (germline): Uncertain significance (1 of 4 stars; one submission).

Submission:

Ambry Genetics
Classification: Uncertain significance. Last evaluated: 2025-02-03. Review status: criteria provided, single submitter. Criteria: Ambry Variant Classification Scheme 2023. Collection method: clinical testing. Allele origin: germline.
Comment: The p.T542I variant (also known as c.1625C>T), located in coding exon 2 of the CDK12 gene, results from a C to T substitution at nucleotide position 1625. The threonine at codon 542 is replaced by isoleucine, an amino acid with similar properties. This amino acid position is conserved. In addition, this alteration is predicted to be tolerated by in silico analysis. Based on the available evidence, the clinical significance of this variant remains unclear.

NM_016507.4(CDK12):c.1625C>T (p.Thr542Ile)

Gene: CDK12 (cyclin dependent kinase 12; plus strand). Cytogenetic location: 17q12.
Variant type: single nucleotide variant.
Coding change: c.1625C>T on transcript NM_016507.4 (MANE Select); coding-DNA position 1625, C replaced by T.
Protein change: p.Thr542Ile; replaces threonine 542 with isoleucine.
Molecular consequence: missense variant.
Genome position (GRCh38, 1-based): chr17:39,471,457, C>T. VCF-style: chr17-39471457-C-T. GRCh37 (hg19) VCF-style: chr17-37627710-C-T.
Other names: c.1625C>T, p.Thr542Ile (NM_015083.4); short protein forms T542I.
Identifiers: ClinVar variation 3830603 (VCV003830603.1).
Genomic context (GRCh38, chr17:39,471,457, plus strand): 5'-AAAAGGAGACCCCTCCACCTCTTCCCACAATTGCTTCTCCCCCACCCCCTCTACCAACTA[C>T]TACCCCTCCACCTCAGACACCCCCTTTGCCACCTTTGCCTCCAATACCAGCTCTTCCACA-3'
Protein context (NP_057591.2, residues 532-552): IASPPPPLPT[Thr542Ile]TPPPQTPPLP